The following is an entry in ClinVar:

NM_006648.4(WNK2):c.2608G>A (p.Ala870Thr)

Gene: WNK2 (WNK lysine deficient protein kinase 2; plus strand). Cytogenetic location: 9q22.31.
Variant type: single nucleotide variant.
Coding change: c.2608G>A on transcript NM_006648.4 (MANE Select); coding-DNA position 2608, G replaced by A.
Protein change: p.Ala870Thr; replaces alanine 870 with threonine.
Molecular consequence: missense variant.
Genome position (GRCh38, 1-based): chr9:93,259,156, G>A. VCF-style: chr9-93259156-G-A. GRCh37 (hg19) VCF-style: chr9-96021438-G-A.
Other names: c.2608G>A, p.Ala870Thr (NM_001282394.3); short protein forms A870T.
Identifiers: ClinVar variation 3470319 (VCV003470319.1).
Genomic context (GRCh38, chr9:93,259,156, plus strand): 5'-GCGTCCCCAGCCTTGCCTCTGCAGGCTGTGAAGCTGCCCCACCCCCCTGGGGCGCCCCTG[G>A]CCATGCCCTGCCGGACCATTGTGCCAAATGCACCGGCCACTATCCCCCTGCTGGCCGTAG-3'
Protein context (NP_006639.3, residues 860-880): KLPHPPGAPL[Ala870Thr]MPCRTIVPNA

ClinVar aggregate classification (germline): Uncertain significance (1 of 4 stars; one submission).

Submission:

Ambry Genetics
Classification: Uncertain significance. Last evaluated: 2024-11-22. Review status: criteria provided, single submitter. Criteria: Ambry Variant Classification Scheme 2023. Collection method: clinical testing. Allele origin: germline.
Comment: The p.A870T variant (also known as c.2608G>A), located in coding exon 11 of the WNK2 gene, results from a G to A substitution at nucleotide position 2608. The alanine at codon 870 is replaced by threonine, an amino acid with similar properties. This amino acid position is conserved. In addition, this alteration is predicted to be tolerated by in silico analysis. Based on the available evidence, the clinical significance of this variant remains unclear.